The following is an entry in ClinVar:

NM_000059.4(BRCA2):c.1865C>G (p.Ala622Gly)

Gene: BRCA2 (BRCA2 DNA repair associated; plus strand). Cytogenetic location: 13q13.1.
Variant type: single nucleotide variant.
Coding change: c.1865C>G on transcript NM_000059.4 (MANE Select); coding-DNA position 1865, C replaced by G.
Protein change: p.Ala622Gly; replaces alanine 622 with glycine.
Molecular consequence: missense variant.
Genome position (GRCh38, 1-based): chr13:32,333,343, C>G. VCF-style: chr13-32333343-C-G. GRCh37 (hg19) VCF-style: chr13-32907480-C-G.
Other names: c.1865C>G (NM_000059.3); short protein forms A622G.
Identifiers: ClinVar variation 1055260 (VCV001055260.16), dbSNP rs80358477, ClinGen allele CA387766515.

ClinVar aggregate classification (germline): Conflicting classifications of pathogenicity. Review status: criteria provided, conflicting classifications (1 of 4 stars). 4 submissions from 4 submitters: Uncertain significance (3); Likely benign (1). Last evaluated 2026-04-10.

Conditions:
Hereditary cancer-predisposing syndrome. Also called: Hereditary neoplastic syndrome; Neoplastic Syndromes, Hereditary; Tumor predisposition; Hereditary Cancer Syndrome. Identifiers: Orphanet 140162, MedGen C0027672, MeSH D009386, MONDO:0015356.
Hereditary breast ovarian cancer syndrome. Also called: Hereditary breast and ovarian cancer syndrome; Hereditary breast and/or ovarian cancer syndrome; Hereditary breast and ovarian cancer; Hereditary breast and ovarian cancer syndrome (HBOC); BRCA1- and BRCA2-Associated Hereditary Breast and Ovarian Cancer; Breast and ovarian cancer. Identifiers: Orphanet 145, MedGen C0677776, MeSH D061325, MONDO:0003582. Disease mechanism: loss of function.
Breast-ovarian cancer, familial, susceptibility to, 2 (BROVCA2). Also called: BRCA2 Hereditary Breast and Ovarian Cancer. Identifiers: Orphanet 145, MedGen C2675520, MONDO:0012933, OMIM 612555. Disease mechanism: loss of function.

gnomAD v4.1: 1 of 1,607,502 alleles (0.000062%); highest among the groups gnomAD compares: Non-Finnish European, 0.000085%; no homozygotes.

Submissions (4):

Ambry Genetics
Classification: Uncertain significance for Hereditary cancer-predisposing syndrome. Last evaluated: 2026-04-10. Review status: criteria provided, single submitter. Criteria: Ambry Variant Classification Scheme 2023. Collection method: clinical testing. Allele origin: germline.
Comment: The p.A622G variant (also known as c.1865C>G), located in coding exon 9 of the BRCA2 gene, results from a C to G substitution at nucleotide position 1865. The alanine at codon 622 is replaced by glycine, an amino acid with similar properties. This amino acid position is not well conserved in available vertebrate species. In addition, this alteration is predicted to be tolerated by in silico analysis. Based on the available evidence, the clinical significance of this variant remains unclear.

Labcorp Genetics (formerly Invitae), Labcorp
Classification: Uncertain significance for Hereditary breast ovarian cancer syndrome. Last evaluated: 2023-04-27. Review status: criteria provided, single submitter. Criteria: Invitae Variant Classification Sherloc (09022015). Collection method: clinical testing. Allele origin: germline.
Comment: In summary, the available evidence is currently insufficient to determine the role of this variant in disease. Therefore, it has been classified as a Variant of Uncertain Significance. Advanced modeling of protein sequence and biophysical properties (such as structural, functional, and spatial information, amino acid conservation, physicochemical variation, residue mobility, and thermodynamic stability) performed at Invitae indicates that this missense variant is not expected to disrupt BRCA2 protein function. ClinVar contains an entry for this variant (Variation ID: 1055260). This variant has not been reported in the literature in individuals affected with BRCA2-related conditions. This variant is not present in population databases (gnomAD no frequency). This sequence change replaces alanine, which is neutral and non-polar, with glycine, which is neutral and non-polar, at codon 622 of the BRCA2 protein (p.Ala622Gly).

All of Us Research Program, National Institutes of Health
Classification: Uncertain significance for Breast-ovarian cancer, familial, susceptibility to, 2. Last evaluated: 2023-04-03. Review status: criteria provided, single submitter. Criteria: ACMG Guidelines, 2015. Collection method: clinical testing. Allele origin: germline. Inheritance: Autosomal dominant inheritance. Observed: 1 variant allele, 1 heterozygote.
Comment: This missense variant replaces alanine with glycine at codon 622 of the BRCA2 protein. Computational prediction suggests that this variant may not impact protein structure and function (internally defined REVEL score threshold <= 0.5, PMID: 27666373). To our knowledge, functional studies have not been reported for this variant. This variant has not been reported in individuals affected with hereditary cancer in the literature. This variant has not been identified in the general population by the Genome Aggregation Database (gnomAD). The available evidence is insufficient to determine the role of this variant in disease conclusively. Therefore, this variant is classified as a Variant of Uncertain Significance.

This study involves interpretation of variants in research participants for the purpose of population health screening. Participant phenotype was not available at the time of variant classification. Additional details can be found in publication PMID: 35346344, PMCID: PMC8962531

University of Washington Department of Laboratory Medicine, University of Washington
Classification: Likely benign for Hereditary cancer-predisposing syndrome. Last evaluated: 2023-03-23. Review status: criteria provided, single submitter. Criteria: Dines et al. (Genet Med. 2020). Collection method: curation. Allele origin: germline.
Comment: Missense variant in a coldspot region where missense variants are very unlikely to be pathogenic (PMID:31911673).

BRCA2 exon 10 coldspot. Reclassification based on statistical prior probability.